The following is an entry in ClinVar:

NM_000203.5(IDUA):c.1332C>T (p.Asp444=)

Gene: IDUA (alpha-L-iduronidase; plus strand). Cytogenetic location: 4p16.3.
Variant type: single nucleotide variant.
Coding change: c.1332C>T on transcript NM_000203.5 (MANE Select); coding-DNA position 1332, C replaced by T.
Protein change: p.Asp444=; no amino-acid change (aspartic acid 444 retained).
Molecular consequence: synonymous variant. On other transcripts: non-coding transcript variant (1).
Genome position (GRCh38, 1-based): chr4:1,002,874, C>T. VCF-style: chr4-1002874-C-T. GRCh37 (hg19) VCF-style: chr4-996662-C-T.
Other names: NM_000203.5(IDUA):c.1332C>T; p.Asp444=; c.936C>T, p.Asp312= (NM_001363576.1).
Identifiers: ClinVar variation 785832 (VCV000785832.24), dbSNP rs545473192, ClinGen allele CA2802231.

ClinVar aggregate classification (germline): Likely benign. Review status: reviewed by expert panel (3 of 4 stars). 7 submissions from 7 submitters: Likely benign (1). 6 of the submissions do not count toward it. Last evaluated 2024-12-06.

Conditions:
Mucopolysaccharidosis type 1. Also called: IDUA deficiency; MPS I; Mucopolysaccharidosis Type I. Identifiers: Orphanet 579, MedGen C0023786, MONDO:0001586.
Inborn genetic diseases. Identifiers: MedGen C0950123, MeSH D030342.
IDUA-related disorder. Also called: IDUA-related condition.

Allele frequency attached by ClinVar (database versions not stated): gnomAD 0.00020 and 0.00027; TOPMed 0.00022; gnomAD exomes 0.00047 and 0.00102; 1000 Genomes Project 0.00100; 1000 Genomes Project 30x 0.00109; ExAC 0.00386.
gnomAD v4.1: 652 of 1,441,278 alleles (0.045%); highest among the groups gnomAD compares: South Asian, 0.34%; 4 homozygotes.

Submissions (7):

ClinGen Lysosomal Storage Disorder Variant Curation Expert Panel
Classification: Likely benign for Mucopolysaccharidosis type 1. Last evaluated: 2024-12-06. Review status: reviewed by expert panel. Criteria: ClinGen LSD ACMG Specifications IDUA V1.0.0. Collection method: curation. Allele origin: germline. Inheritance: Autosomal recessive inheritance.
Comment: The NM_000203.5:c.1332C>T (p.Asp444=) variant is a synonymous (silent) variant that is not predicted by SpliceAI to impact splicing (all scores are <0.1). In addition, the variant is not in the first nucleotide or last three nucleotides of an exon (BP4, BP7). The highest population minor allele frequency in gnomAD v4.1.0. is 0.003422 (248/72482 alleles; 4 homozygotes) in the South Asian population; GrpMax Filtering Allele Frequency 0.003071, which is higher than the ClinGen Lysosomal Diseases VCEP’s threshold for BS1 (>0.0025), and therefore meets this criterion (BS1). To our knowledge, this variant has not been reported in the literature. There is a ClinVar entry for this variant (Variation ID: 785832). In summary, this variant meets the criteria to be classified as likely benign for mucopolysaccharidosis type 1. IDUA-specific ACMG/AMP criteria met, as specified by the ClinGen Lysosomal Diseases Variant Curation Expert Panel (Specifications Version 1.0.0): BS1, BP4, BP7. (Classification approved by the ClinGen Lysosomal Diseases Variant Curation Expert Panel on December 6, 2024)

Labcorp Genetics (formerly Invitae), Labcorp
Classification: Benign for Mucopolysaccharidosis type 1. Last evaluated: 2026-01-27. Review status: criteria provided, single submitter. Criteria: Invitae Variant Classification Sherloc (09022015). Collection method: clinical testing. Allele origin: germline. Not counted in ClinVar's aggregate classification.

PreventionGenetics, part of Exact Sciences
Classification: Likely benign for IDUA-related condition. Last evaluated: 2025-02-08. Review status: criteria provided, single submitter. Criteria: ACMG Guidelines, 2015. Collection method: clinical testing. Allele origin: germline. Not counted in ClinVar's aggregate classification.
Comment: This variant is classified as likely benign based on ACMG/AMP sequence variant interpretation guidelines (Richards et al. 2015 PMID: 25741868, with internal and published modifications).

Blueprint Genetics
Classification: Likely benign. Last evaluated: 2024-10-10. Review status: criteria provided, single submitter. Criteria: ACMG Guidelines, 2015. Collection method: clinical testing. Allele origin: germline. Not counted in ClinVar's aggregate classification.

Ambry Genetics
Classification: Likely benign for Inborn genetic diseases. Last evaluated: 2023-05-05. Review status: criteria provided, single submitter. Criteria: Ambry Variant Classification Scheme 2023. Collection method: clinical testing. Allele origin: germline. Not counted in ClinVar's aggregate classification.

Illumina Laboratory Services, Illumina
Classification: Uncertain significance for Mucopolysaccharidosis type 1. Last evaluated: 2017-04-27. Review status: criteria provided, single submitter. Criteria: ICSL Variant Classification Criteria 13 December 2019. Collection method: clinical testing. Allele origin: germline. Not counted in ClinVar's aggregate classification.

Natera, Inc.
Classification: Likely benign for Mucopolysaccharidosis type I. Last evaluated: 2017-06-13. Review status: no assertion criteria provided. Collection method: clinical testing. Allele origin: germline. Not counted in ClinVar's aggregate classification.